The following is an entry in ClinVar:

ClinVar aggregate classification (germline): Uncertain significance (1 of 4 stars; one submission).

Submission:

Labcorp Genetics (formerly Invitae), Labcorp
Classification: Uncertain significance. Last evaluated: 2022-08-08. Review status: criteria provided, single submitter. Criteria: Invitae Variant Classification Sherloc (09022015). Collection method: clinical testing. Allele origin: germline.
Comment: In summary, the available evidence is currently insufficient to determine the role of this variant in disease. Therefore, it has been classified as a Variant of Uncertain Significance. Algorithms developed to predict the effect of missense changes on protein structure and function are either unavailable or do not agree on the potential impact of this missense change (SIFT: "Deleterious"; PolyPhen-2: "Probably Damaging"; Align-GVGD: "Class C0"). This variant has not been reported in the literature in individuals affected with MAST1-related conditions. This variant is not present in population databases (gnomAD no frequency). This sequence change replaces lysine, which is basic and polar, with glutamine, which is neutral and polar, at codon 311 of the MAST1 protein (p.Lys311Gln).

NM_014975.3(MAST1):c.931A>C (p.Lys311Gln)

Gene: MAST1 (microtubule associated serine/threonine kinase 1; plus strand). Cytogenetic location: 19p13.13.
Variant type: single nucleotide variant.
Coding change: c.931A>C on transcript NM_014975.3 (MANE Select); coding-DNA position 931, A replaced by C.
Protein change: p.Lys311Gln; replaces lysine 311 with glutamine.
Molecular consequence: missense variant.
Genome position (GRCh38, 1-based): chr19:12,852,169, A>C. VCF-style: chr19-12852169-A-C. GRCh37 (hg19) VCF-style: chr19-12962983-A-C.
Other names: short protein forms K311Q.
Identifiers: ClinVar variation 2022822 (VCV002022822.4), dbSNP rs2512527080, ClinGen allele CA404264829.
Genomic context (GRCh38, chr19:12,852,169, plus strand): 5'-CCTCAGGAATTCAACCCCGAGGAGTTCTACCACCTGCTGGAGGCGGCCGAAGGACACGCC[A>C]AGGAGGGCCACCTTGTGAAGACGGACATCCCCCGCTACATCATCCGCCAGCTGGGCCTCA-3'
Protein context (NP_055790.1, residues 301-321): HLLEAAEGHA[Lys311Gln]EGHLVKTDIP